The following is an entry in ClinVar:

ClinVar aggregate classification (germline): Pathogenic/Likely pathogenic. Review status: criteria provided, multiple submitters, no conflicts (2 of 4 stars). 13 submissions from 13 submitters: Pathogenic (12); Likely pathogenic (1). Last evaluated 2026-07-15.

Conditions:
Mitochondrial complex II deficiency, nuclear type 1. Also called: SUCCINATE CoQ REDUCTASE DEFICIENCY. Identifiers: Orphanet 3208, MedGen C5700310, MONDO:0100294, OMIM 252011.
Dilated cardiomyopathy 1GG (CMD1GG). Identifiers: Orphanet 154, MedGen C3150898, MONDO:0013339, OMIM 613642.
Neurodegeneration with ataxia and late-onset optic atrophy. Identifiers: MedGen C5543254, MONDO:0031006, OMIM 619259.
SDHA-related disorder. Also called: SDHA-related condition; SDHA-related disorders.
Pheochromocytoma/paraganglioma syndrome 5. Also called: Paragangliomas 5; SDHA-Related Hereditary Paraganglioma-Pheochromocytoma Syndrome. Identifiers: Orphanet 29072, MedGen C3279992, MONDO:0013602, OMIM 614165.
Hereditary cancer-predisposing syndrome. Also called: Tumor predisposition; Hereditary neoplastic syndrome; Hereditary Cancer Syndrome; Neoplastic Syndromes, Hereditary. Identifiers: Orphanet 140162, MedGen C0027672, MeSH D009386, MONDO:0015356.

Submissions (13):

PreventionGenetics, part of Exact Sciences
Classification: Pathogenic for SDHA-related condition. Last evaluated: 2026-07-15. Review status: criteria provided, single submitter. Criteria: ACMG Guidelines, 2015. Collection method: clinical testing. Allele origin: germline.
Comment: The SDHA c.667delG variant is predicted to result in a frameshift and premature protein termination (p.Asp223Ilefs*3). This variant has been reported in individuals with pheochromocytoma (PHEO)/paraganglioma (PGL) (van der Tuin et al. 2018. PubMed ID: 29177515; Table S1, Fagundes et al. 2025. PubMed ID: 39688739 ). This variant has also been reported in individuals with breast cancer including one individual who also had a pathogenic variant in DICER1 with a diagnosis of multilocus inherited neoplasia allele syndrome (MINAS) (Aguilar et al. 2025. PubMed ID: 39778127; Sanabria-Salas et al. 2025. PubMed ID: 40065011). This variant is reported in 0.017% of alleles in individuals of Latino descent in gnomAD and has been interpreted as pathogenic and likely pathogenic in ClinVar (Variation ID: 141876). Frameshift variants in SDHA are expected to be pathogenic. This variant is interpreted as pathogenic.

Dasa
Classification: Pathogenic. Last evaluated: 2026-02-24. Review status: criteria provided, single submitter. Criteria: DASA Assertion Criteria. Collection method: clinical testing. Allele origin: germline.
Comment: NM_004168.4(SDHA):c.667del (p.Asp223Ilefs*3) introduces a premature termination codon predicted to result in loss of normal protein function. Loss-of-function is an established mechanism of disease for this gene. This variant has been reported in individuals with related phenotype (PMID: 29177515). The variant is present at low frequency in population datasets. Based on the available data, this variant is classified as pathogenic.

Labcorp Genetics (formerly Invitae), Labcorp
Classification: Pathogenic for Pheochromocytoma/paraganglioma syndrome 5; Mitochondrial complex II deficiency, nuclear type 1. Last evaluated: 2026-01-27. Review status: criteria provided, single submitter. Criteria: Invitae Variant Classification Sherloc (09022015). Collection method: clinical testing. Allele origin: germline.
Comment: This sequence change creates a premature translational stop signal (p.Asp223Ilefs*3) in the SDHA gene. It is expected to result in an absent or disrupted protein product. Loss-of-function variants in SDHA are known to be pathogenic (PMID: 22974104, 24781757). This variant is present in population databases (rs779126007, gnomAD 0.02%). This premature translational stop signal has been observed in individual(s) with a carotid body tumor and bilateral glomus vagal tumors (PMID: 29177515). ClinVar contains an entry for this variant (Variation ID: 141876). For these reasons, this variant has been classified as Pathogenic.

GeneDx
Classification: Pathogenic. Last evaluated: 2025-10-22. Review status: criteria provided, single submitter. Criteria: GeneDx Variant Classification Process June 2021. Collection method: clinical testing. Allele origin: germline. Affected: yes.
Comment: Frameshift variant predicted to result in protein truncation or nonsense mediated decay in a gene for which loss of function is a known mechanism of disease; This variant is associated with the following publications: (PMID: 28152038, 31589614, 29778030, 29177515, 35346574, 39778127)

First Genomix Gene Laboratory, Genetic Diagnostics Department
Classification: Pathogenic for Dilated cardiomyopathy 1GG; Mitochondrial complex II deficiency, nuclear type 1. Last evaluated: 2025-08-06. Review status: criteria provided, single submitter. Criteria: ACMG Guidelines, 2015. Collection method: clinical testing. Allele origin: germline. Inheritance: Autosomal recessive inheritance. Affected: no. Observed: 1 variant allele.

Women's Health and Genetics/Laboratory Corporation of America, LabCorp
Classification: Pathogenic for Neurodegeneration with ataxia and late-onset optic atrophy. Last evaluated: 2025-05-13. Review status: criteria provided, single submitter. Criteria: LabCorp Variant Classification Summary - May 2015. Collection method: clinical testing. Allele origin: germline.
Comment: Variant summary: SDHA c.667delG (p.Asp223IlefsX3) results in a premature termination codon, predicted to cause a truncation of the encoded protein or absence of the protein due to nonsense mediated decay, which are commonly known mechanisms for disease. The variant allele was found at a frequency of 2.4e-05 in 251164 control chromosomes. c.667delG has been observed in at least one individual affected with glomus vagal tumors and glomus carotid body tumor (e.g. vanderTuin_2018). To our knowledge, no experimental evidence demonstrating an impact on protein function has been reported. The following publication has been ascertained in the context of this evaluation (PMID: 29177515). ClinVar contains an entry for this variant (Variation ID: 141876). Based on the evidence outlined above, the variant was classified as pathogenic.

Ambry Genetics
Classification: Pathogenic for Hereditary cancer-predisposing syndrome. Last evaluated: 2025-01-31. Review status: criteria provided, single submitter. Criteria: Ambry Variant Classification Scheme 2023. Collection method: clinical testing. Allele origin: germline.
Comment: The c.667delG pathogenic mutation, located in coding exon 6 of the SDHA gene, results from a deletion of one nucleotide at nucleotide position 667, causing a translational frameshift with a predicted alternate stop codon (p.D223Ifs*3). In addition to the clinical data presented in the literature, this alteration is expected to result in loss of function by premature protein truncation or nonsense-mediated mRNA decay. As such, this alteration is interpreted as a disease-causing mutation.

CeGaT Center for Human Genetics Tuebingen
Classification: Pathogenic. Last evaluated: 2024-06-01. Review status: criteria provided, single submitter. Criteria: CeGaT Center For Human Genetics Tuebingen Variant Classification Criteria Version 2. Collection method: clinical testing. Allele origin: germline. Affected: yes. Observed: 1 variant allele.
Comment: SDHA: PVS1, PM2

Baylor Genetics
Classification: Pathogenic for Dilated cardiomyopathy 1GG. Last evaluated: 2024-02-29. Review status: criteria provided, single submitter. Criteria: ACMG Guidelines, 2015. Collection method: clinical testing. Allele origin: unknown.

Myriad Genetics, Inc.
Classification: Pathogenic for Pheochromocytoma/paraganglioma syndrome 5. Last evaluated: 2024-02-07. Review status: criteria provided, single submitter. Criteria: Myriad Autosomal Dominant, Autosomal Recessive and X-Linked Classification Criteria (2023). Collection method: clinical testing. Allele origin: unknown.
Comment: This variant is considered pathogenic. This variant creates a frameshift predicted to result in premature protein truncation.

Quest Diagnostics Nichols Institute San Juan Capistrano
Classification: Pathogenic. Last evaluated: 2022-08-28. Review status: criteria provided, single submitter. Criteria: Quest Diagnostics criteria. Collection method: clinical testing. Allele origin: unknown.
Comment: This frameshift variant alters the translational reading frame of the SDHA mRNA and causes the premature termination of SDHA protein synthesis. The frequency of this variant in the general population, 0.00017 (6/35438 chromosomes), is consistent with pathogenicity. In the published literature, the variant has been reported in an individual with paragangliomas (PMID: 29177515 (2018)). Based on the available information, this variant is classified as pathogenic.

Sema4
Classification: Likely pathogenic for Hereditary cancer-predisposing syndrome. Last evaluated: 2021-11-25. Review status: criteria provided, single submitter. Criteria: Sema4 Curation Guidelines. Collection method: curation. Allele origin: germline.
Comment: The SDHA c.667delG (p.D223IfsX3) variant has been reported in heterozygosity in at least one individual with paraganglioma (PMID: 29177515). This variant causes a frameshift at amino acid 223 that results in premature termination 3 amino acids downstream. At this location, it is predicted to cause loss of normal protein function likely through nonsense-mediated mRNA decay or protein truncation. Loss of function variants in SDHA are known to be pathogenic (PMID: 22974104). This variant was observed in 6/35438 chromosomes in the Latino population according to the Genome Aggregation Database (PMID: 32461654), and has been reported in ClinVar (Variation ID: 141876). Based on the current evidence available, this variant is interpreted as likely pathogenic.

Blueprint Genetics
Classification: Pathogenic for SDHA-related disorders. Last evaluated: 2021-10-23. Review status: criteria provided, single submitter. Criteria: ACMG Guidelines, 2015. Collection method: clinical testing. Allele origin: germline. Affected: yes. Observed: 2 variant alleles.

Literature cited by the submitters: PubMed 29177515 (cited by 6 submitters); PubMed 22974104 (cited by Labcorp Genetics (formerly Invitae), Labcorp and Sema4); PubMed 24781757 (cited by Labcorp Genetics (formerly Invitae), Labcorp).

NM_004168.4(SDHA):c.667del (p.Asp223fs)

Gene: SDHA (succinate dehydrogenase complex flavoprotein subunit A; plus strand). Cytogenetic location: 5p15.33.
Variant type: Deletion.
Coding change: c.667del on transcript NM_004168.4 (MANE Select); coding-DNA position 667, one base deleted (G; older notation c.667delG).
Protein change: p.Asp223fs; shifts the reading frame from aspartic acid 223.
Molecular consequence: frameshift variant.
Genome position (GRCh38, 1-based): chr5:228,230, G deleted; the last of 2 consecutive G bases (chr5:228,229-228,230); deleting either gives the same sequence. VCF-style (leftmost placement, unchanged base first): chr5-228228-TG-T. GRCh37 (hg19) VCF-style: chr5-228343-TG-T.
Other names: c.667delG (NM_004168.2, NM_004168.4); c.667del (NM_004168.3); c.523del, p.Asp175fs (NM_001294332.2); c.667del, p.Asp223fs (NM_001330758.2); short protein forms D175fs, D223fs.
Identifiers: ClinVar variation 141876 (VCV000141876.47), dbSNP rs587782077, ClinGen allele CA166673.